The following is an entry in ClinVar:

ClinVar aggregate classification (germline): Conflicting classifications of pathogenicity. Review status: criteria provided, conflicting classifications (1 of 4 stars). 2 submissions from 2 submitters: Uncertain significance (1); Likely benign (1). Last evaluated 2024-12-02.

Conditions:
Adenylosuccinate lyase deficiency (ADSLD). Also called: ADSL DEFICIENCY. Identifiers: Orphanet 46, MedGen C0268126, MONDO:0007068, OMIM 103050.

Allele frequency attached by ClinVar (database versions not stated): TOPMed 0.00008; gnomAD 0.00012; ESP Exome Variant Server 0.00015.
gnomAD v4.1: 172 of 1,585,636 alleles (0.011%); highest among the groups gnomAD compares: Non-Finnish European, 0.014%; no homozygotes.

Submissions (2):

Labcorp Genetics (formerly Invitae), Labcorp
Classification: Uncertain significance for Adenylosuccinate lyase deficiency. Last evaluated: 2024-12-02. Review status: criteria provided, single submitter. Criteria: Invitae Variant Classification Sherloc (09022015). Collection method: clinical testing. Allele origin: germline.
Comment: This variant occurs in a non-coding region of the ADSL gene. It does not change the encoded amino acid sequence of the ADSL protein. This variant is present in population databases (rs372357778, gnomAD 0.01%). This variant has not been reported in the literature in individuals affected with ADSL-related conditions. ClinVar contains an entry for this variant (Variation ID: 388210). Experimental studies and prediction algorithms are not available or were not evaluated, and the functional significance of this variant is currently unknown. In summary, the available evidence is currently insufficient to determine the role of this variant in disease. Therefore, it has been classified as a Variant of Uncertain Significance.

GeneDx
Classification: Likely benign. Last evaluated: 2016-08-02. Review status: criteria provided, single submitter. Criteria: GeneDx Variant Classification (06012015). Collection method: clinical testing. Allele origin: germline. Affected: yes.
Comment: This variant is considered likely benign or benign based on one or more of the following criteria: it is a conservative change, it occurs at a poorly conserved position in the protein, it is predicted to be benign by multiple in silico algorithms, and/or has population frequency not consistent with disease.

NM_000026.4(ADSL):c.-37C>G

Gene: ADSL (adenylosuccinate lyase; plus strand). Cytogenetic location: 22q13.1.
Variant type: single nucleotide variant.
Coding change: c.-37C>G on transcript NM_000026.4 (MANE Select); 37 bases upstream of the start codon, C replaced by G.
Molecular consequence: 5 prime UTR variant. On other transcripts: non-coding transcript variant (1).
Genome position (GRCh38, 1-based): chr22:40,346,522, C>G. VCF-style: chr22-40346522-C-G. GRCh37 (hg19) VCF-style: chr22-40742526-C-G.
Other names: c.-37C>G (NM_001123378.3, NM_001363840.3); c.-174C>G (NM_001317923.2).
Identifiers: ClinVar variation 388210 (VCV000388210.5), dbSNP rs372357778, ClinGen allele CA10247561.